The following is an entry in ClinVar:

ClinVar aggregate classification (germline): Uncertain significance (1 of 4 stars; one submission).

gnomAD v4.1: 1 of 1,614,186 alleles (0.000062%); highest among the groups gnomAD compares: Non-Finnish European, 0.000085%; no homozygotes.

Submission:

Mayo Clinic Laboratories, Mayo Clinic
Classification: Uncertain significance. Last evaluated: 2023-07-18. Review status: criteria provided, single submitter. Criteria: ACMG Guidelines, 2015. Collection method: clinical testing. Allele origin: germline. Observed: 1 variant allele.
Comment: BP4, PM2_moderate

NM_022098.4(XPNPEP3):c.1385A>G (p.Asp462Gly)

Gene: XPNPEP3 (X-prolyl aminopeptidase 3; plus strand). Cytogenetic location: 22q13.2.
Variant type: single nucleotide variant.
Coding change: c.1385A>G on transcript NM_022098.4 (MANE Select); coding-DNA position 1385, A replaced by G.
Protein change: p.Asp462Gly; replaces aspartic acid 462 with glycine.
Molecular consequence: missense variant.
Genome position (GRCh38, 1-based): chr22:40,926,296, A>G. VCF-style: chr22-40926296-A-G. GRCh37 (hg19) VCF-style: chr22-41322300-A-G.
Other names: p.Asp462Gly; short protein forms D462G.
Identifiers: ClinVar variation 3380724 (VCV003380724.1).